The following is an entry in ClinVar:

ClinVar aggregate classification (germline): Uncertain significance (1 of 4 stars; one submission).

Conditions:
Idiopathic generalized epilepsy. Also called: EIG; Generalised epilepsy. Identifiers: MedGen C0270850, MONDO:0005579, OMIM 600669.

Allele frequency attached by ClinVar (database versions not stated): gnomAD exomes below 0.00001.
gnomAD v4.1: 1 of 636,962 alleles (0.00016%); highest among the groups gnomAD compares: Non-Finnish European, 0.00027%; no homozygotes.

Submission:

Labcorp Genetics (formerly Invitae), Labcorp
Classification: Uncertain significance for Idiopathic generalized epilepsy. Last evaluated: 2022-06-14. Review status: criteria provided, single submitter. Criteria: Invitae Variant Classification Sherloc (09022015). Collection method: clinical testing. Allele origin: germline.
Comment: In summary, the available evidence is currently insufficient to determine the role of this variant in disease. Therefore, it has been classified as a Variant of Uncertain Significance. Algorithms developed to predict the effect of missense changes on protein structure and function are either unavailable or do not agree on the potential impact of this missense change (SIFT: "Tolerated"; PolyPhen-2: "Not Available"; Align-GVGD: "Class C0"). This variant has not been reported in the literature in individuals affected with RBFOX3-related conditions. This variant is not present in population databases (gnomAD no frequency). This sequence change replaces glutamine, which is neutral and polar, with arginine, which is basic and polar, at codon 3 of the RBFOX3 protein (p.Gln3Arg).

NM_001350451.2(RBFOX3):c.8A>G (p.Gln3Arg)

Gene: RBFOX3 (RNA binding fox-1 homolog 3; minus strand). Cytogenetic location: 17q25.3.
Variant type: single nucleotide variant.
Coding change: c.8A>G on transcript NM_001350451.2 (MANE Select); coding-DNA position 8, A replaced by G.
Protein change: p.Gln3Arg; replaces glutamine 3 with arginine.
Molecular consequence: missense variant.
Genome position (GRCh38, 1-based): chr17:79,115,708, T>C on the plus strand (A>G on the coding strand, the complement: RBFOX3 is on the minus strand). VCF-style: chr17-79115708-T-C. GRCh37 (hg19) VCF-style: chr17-77111790-T-C.
Other names: c.8A>G, p.Gln3Arg (NM_001082575.3, NM_001350453.2, NM_001385804.1 and 43 more transcripts); short protein forms Q3R.
Identifiers: ClinVar variation 1935416 (VCV001935416.5), dbSNP rs2510574180, ClinGen allele CA401318287.